The following is an entry in ClinVar:

ClinVar aggregate classification (germline): Uncertain significance (1 of 4 stars; one submission).

Allele frequency attached by ClinVar (database versions not stated): gnomAD exomes below 0.00001.
gnomAD v4.1: 1 of 1,203,291 alleles (0.000083%); highest among the groups gnomAD compares: African/African-American, 0.0017%; no homozygotes.

Submission:

CeGaT Center for Human Genetics Tuebingen
Classification: Uncertain significance. Last evaluated: 2026-01-01. Review status: criteria provided, single submitter. Criteria: CeGaT Center For Human Genetics Tuebingen Variant Classification Criteria Version 2. Collection method: clinical testing. Allele origin: germline. Affected: yes. Observed: 1 variant allele.
Comment: FANCB: PM2, BP4

NM_001018113.3(FANCB):c.25T>C (p.Ser9Pro)

Gene: FANCB (FA complementation group B; minus strand). Cytogenetic location: Xp22.2.
Variant type: single nucleotide variant.
Coding change: c.25T>C on transcript NM_001018113.3 (MANE Select); coding-DNA position 25, T replaced by C.
Protein change: p.Ser9Pro; replaces serine 9 with proline.
Molecular consequence: missense variant. On other transcripts: non-coding transcript variant (1).
Genome position (GRCh38, 1-based): chrX:14,865,486, A>G on the plus strand (T>C on the coding strand, the complement: FANCB is on the minus strand). VCF-style: chrX-14865486-A-G. GRCh37 (hg19) VCF-style: chrX-14883608-A-G.
Other names: c.25T>C, p.Ser9Pro (NM_152633.4, NM_001324162.2, NM_001410764.1); short protein forms S9P.
Identifiers: ClinVar variation 2673217 (VCV002673217.23), dbSNP rs2519014430, ClinGen allele CA412445457.
Genomic context (GRCh38, chrX:14,865,486, plus strand): 5'-TAGACAACTGGAAAACAAGGACTTCCCCATTATAACACAAGAGCCTTTCTTGTTCGTTAG[A>G]TGACATTGCTTGTTTGCTAGTCATTCCACAATATCAAGTCTTTGTGCTGATCTAATTTTC-3'
Protein context (NP_001018123.1, residues 1-19): MTSKQAMS[Ser9Pro]NEQERLLCYN